The following is an entry in ClinVar:

ClinVar aggregate classification (germline): Likely benign. Review status: criteria provided, multiple submitters, no conflicts (2 of 4 stars). 2 submissions from 2 submitters: Likely benign (2). Last evaluated 2024-11-14.

Conditions:
RP1L1-related disorder. Also called: RP1L1-related condition.

Submissions (2):

PreventionGenetics, part of Exact Sciences
Classification: Likely benign for RP1L1-related condition. Last evaluated: 2024-11-14. Review status: criteria provided, single submitter. Criteria: ACMG Guidelines, 2015. Collection method: clinical testing. Allele origin: germline.
Comment: This variant is classified as likely benign based on ACMG/AMP sequence variant interpretation guidelines (Richards et al. 2015 PMID: 25741868, with internal and published modifications).

Blueprint Genetics
Classification: Likely benign. Last evaluated: 2024-10-02. Review status: criteria provided, single submitter. Criteria: ACMG Guidelines, 2015. Collection method: clinical testing. Allele origin: germline.

NM_178857.6(RP1L1):c.2697G>A (p.Pro899=)

Gene: RP1L1 (RP1 like 1). Cytogenetic location: 8p23.1.
Variant type: single nucleotide variant.
Coding change: c.2697G>A on transcript NM_178857.6 (MANE Select); coding-DNA position 2697, G replaced by A.
Protein change: p.Pro899=; no amino-acid change (proline 899 retained).
Molecular consequence: synonymous variant.
Genome position (GRCh38, 1-based): chr8:10,611,401, C>T on the plus strand (G>A on the coding strand, the complement: RP1L1 is on the minus strand). VCF-style: chr8-10611401-C-T. GRCh37 (hg19) VCF-style: chr8-10468911-C-T.
Other names: c.2697G>A (NM_178857.5).
Identifiers: ClinVar variation 4899267 (VCV004899267.2).